The following is an entry in ClinVar:

ClinVar aggregate classification (germline): Conflicting classifications of pathogenicity. Review status: criteria provided, conflicting classifications (1 of 4 stars). 4 submissions from 4 submitters: Pathogenic (1); Likely pathogenic (2); Uncertain significance (1). Last evaluated 2026-06-29.

Conditions:
Autosomal recessive congenital ichthyosis 1 (LI1). Also called: ICHTHYOSIS CONGENITA; ICHTHYOSIS CONGENITA II; LAMELLAR EXFOLIATION OF NEWBORN; COLLODION FETUS; DESQUAMATION OF NEWBORN; ICHTHYOSIS, CONGENITAL, AUTOSOMAL RECESSIVE 1, WITH BATHING SUIT DISTRIBUTION. Identifiers: MedGen C4551630, MONDO:0009441, OMIM 242300.
Lamellar ichthyosis. Identifiers: Orphanet 313, MedGen C5848247, MONDO:0017778.

Allele frequency attached by ClinVar (database versions not stated): TOPMed 0.00002; ESP Exome Variant Server 0.00008; ExAC 0.00016.

Submissions (4):

Myriad Genetics, Inc.
Classification: Uncertain significance for Autosomal recessive congenital ichthyosis 1. Last evaluated: 2026-06-29. Review status: criteria provided, single submitter. Criteria: Myriad Autosomal Dominant, Autosomal Recessive and X-Linked Classification Criteria (2023). Collection method: clinical testing. Allele origin: unknown.
Comment: NM_000359.2(TGM1):c.1438A>T(I480F) is a missense variant classified as a variant of uncertain significance in the context of TGM1-related autosomal recessive congenital ichthyosis. I480F has been observed in cases with relevant disease (PMID: 27025581). Relevant functional assessments of this variant are not available in the literature. I480F has been observed in referenced population frequency databases. In summary, there is insufficient evidence to classify NM_000359.2(TGM1):c.1438A>T(I480F) as pathogenic or benign. Please note: this variant was assessed in the context of healthy population screening.

Women's Health and Genetics/Laboratory Corporation of America, LabCorp
Classification: Likely pathogenic for Lamellar ichthyosis. Last evaluated: 2025-08-15. Review status: criteria provided, single submitter. Criteria: LabCorp Variant Classification Summary - May 2015. Collection method: clinical testing. Allele origin: germline.
Comment: Variant summary: TGM1 c.1438A>T (p.Ile480Phe) results in a non-conservative amino acid change located in the cysteine proteinases domain (IPR038765) of the encoded protein sequence. Algorithms developed to predict the effect of missense changes on protein structure and function all suggest that this variant is likely to be disruptive. The variant allele was found at a frequency of 3.8e-05 in 186100 control chromosomes. c.1438A>T has been reported in the literature in compound heterozygous individuals affected with Lamellar Ichthyosis (e.g, Pigg_2016, internal data). These data indicate that the variant may be associated with disease. To our knowledge, no experimental evidence demonstrating an impact on protein function has been reported. The following publication has been ascertained in the context of this evaluation (PMID: 27025581). ClinVar contains an entry for this variant (Variation ID: 1068254). Based on the evidence outlined above, the variant was classified as likely pathogenic.

Baylor Genetics
Classification: Likely pathogenic for Autosomal recessive congenital ichthyosis 1. Last evaluated: 2024-03-04. Review status: criteria provided, single submitter. Criteria: ACMG Guidelines, 2015. Collection method: clinical testing. Allele origin: unknown.

Labcorp Genetics (formerly Invitae), Labcorp
Classification: Pathogenic. Last evaluated: 2023-01-18. Review status: criteria provided, single submitter. Criteria: Invitae Variant Classification Sherloc (09022015). Collection method: clinical testing. Allele origin: germline.
Comment: This variant is present in population databases (rs377119683, gnomAD 0.008%). For these reasons, this variant has been classified as Pathogenic. Advanced modeling of protein sequence and biophysical properties (such as structural, functional, and spatial information, amino acid conservation, physicochemical variation, residue mobility, and thermodynamic stability) has been performed at Invitae for this missense variant, however the output from this modeling did not meet the statistical confidence thresholds required to predict the impact of this variant on TGM1 protein function. ClinVar contains an entry for this variant (Variation ID: 1068254). This missense change has been observed in individual(s) with congenital ichthyosis (PMID: 27025581; Invitae). This sequence change replaces isoleucine, which is neutral and non-polar, with phenylalanine, which is neutral and non-polar, at codon 480 of the TGM1 protein (p.Ile480Phe).

Literature cited by the submitters: PubMed 27025581 (cited by 3 submitters).

NM_000359.3(TGM1):c.1438A>T (p.Ile480Phe)

Gene: TGM1 (transglutaminase 1; minus strand). Cytogenetic location: 14q12.
Variant type: single nucleotide variant.
Coding change: c.1438A>T on transcript NM_000359.3 (MANE Select); coding-DNA position 1438, A replaced by T.
Protein change: p.Ile480Phe; replaces isoleucine 480 with phenylalanine.
Molecular consequence: missense variant.
Genome position (GRCh38, 1-based): chr14:24,256,042, T>A on the plus strand (A>T on the coding strand, the complement: TGM1 is on the minus strand). VCF-style: chr14-24256042-T-A. GRCh37 (hg19) VCF-style: chr14-24725248-T-A.
Other names: short protein forms I480F.
Identifiers: ClinVar variation 1068254 (VCV001068254.13), dbSNP rs377119683, ClinGen allele CA7131083.
Genomic context (GRCh38, chr14:24,256,042, plus strand): 5'-CCCTCACCTCAGCAAAAATGAAAGGCGTGTCGTACTTCATGTAGACCAGGCCATTCTTGA[T>A]GGACTCCACAGAGCAGGGGCCGCAGCAGAAGATGCCTAGAGAGTGAGGCGGGACAGAGGC-3'
Protein context (NP_000350.1, residues 470-490): FCCGPCSVES[Ile480Phe]KNGLVYMKYD